The following is an entry in ClinVar:

ClinVar aggregate classification (germline): Uncertain significance (1 of 4 stars; one submission).

Submission:

Women's Health and Genetics/Laboratory Corporation of America, LabCorp
Classification: Uncertain significance. Last evaluated: 2025-05-09. Review status: criteria provided, single submitter. Criteria: LabCorp Variant Classification Summary - May 2015. Collection method: clinical testing. Allele origin: germline.
Comment: Variant summary: SYT2 c.196A>G (p.Ile66Val) results in a conservative amino acid change in the encoded protein sequence. Algorithms developed to predict the effect of missense changes on protein structure and function are either unavailable or do not agree on the potential impact of this missense change. The variant was absent in 250772 control chromosomes. The available data on variant occurrences in the general population are insufficient to allow any conclusion about variant significance. To our knowledge, no occurrence of c.196A>G in individuals affected with Congenital Myasthenic Syndrome 7 and no experimental evidence demonstrating its impact on protein function have been reported. No submitters have cited clinical-significance assessments for this variant to ClinVar. Based on the evidence outlined above, the variant was classified as uncertain significance.

NM_177402.5(SYT2):c.196A>G (p.Ile66Val)

Gene: SYT2 (synaptotagmin 2; minus strand). Cytogenetic location: 1q32.1.
Variant type: single nucleotide variant.
Coding change: c.196A>G on transcript NM_177402.5 (MANE Select); coding-DNA position 196, A replaced by G.
Protein change: p.Ile66Val; replaces isoleucine 66 with valine.
Molecular consequence: missense variant.
Genome position (GRCh38, 1-based): chr1:202,604,604, T>C on the plus strand (A>G on the coding strand, the complement: SYT2 is on the minus strand). VCF-style: chr1-202604604-T-C. GRCh37 (hg19) VCF-style: chr1-202573732-T-C.
Other names: c.196A>G, p.Ile66Val (NM_001136504.1); short protein forms I66V.
Identifiers: ClinVar variation 3902362 (VCV003902362.1).